The following is an entry in ClinVar:

ClinVar aggregate classification (germline): Likely pathogenic. Review status: criteria provided, single submitter (1 of 4 stars). 2 submissions from 2 submitters: Likely pathogenic (1). 1 of the submissions does not count toward it. Last evaluated 2019-03-31.

Conditions:
COL4A5-related disorder. Also called: COL4A5-related condition.
X-linked Alport syndrome (ATS1). Also called: NEPHROPATHY AND DEAFNESS, X-LINKED; COL4A5-Related Nephropathy. Identifiers: Orphanet 63, Orphanet 88917, MedGen C4746986, MONDO:0010520, OMIM 301050.

Submissions (2):

Myriad Genetics, Inc.
Classification: Likely pathogenic for X-linked Alport syndrome. Last evaluated: 2019-03-31. Review status: criteria provided, single submitter. Criteria: Myriad Women's Health Autosomal Recessive and X-Linked Classification Criteria (2019). Collection method: clinical testing. Allele origin: unknown.
Comment: NM_000495.4(COL4A5):c.2926G>T(G976*) is expected to be pathogenic in the context of X-linked Alport syndrome. This variant is predicted to lead to an abnormal or absent protein product due to the creation of a premature termination codon in COL4A5, a gene where loss-of-function variants are known to be pathogenic. Please note: this variant was assessed in the context of healthy population screening.

PreventionGenetics, part of Exact Sciences
Classification: Likely pathogenic for COL4A5-related condition. Last evaluated: 2023-11-10. Review status: no assertion criteria provided. Collection method: clinical testing. Allele origin: germline. Not counted in ClinVar's aggregate classification.
Comment: The COL4A5 c.2926G>T variant is predicted to result in premature protein termination (p.Gly976*). To our knowledge, this variant has not been reported in the literature or in a large population database, indicating this variant is rare. Nonsense variants in COL4A5 are expected to be pathogenic. This variant is interpreted as likely pathogenic.

NM_033380.3(COL4A5):c.2926G>T (p.Gly976Ter)

Gene: COL4A5 (collagen type IV alpha 5 chain; plus strand). Cytogenetic location: Xq22.3.
Variant type: single nucleotide variant.
Coding change: c.2926G>T on transcript NM_033380.3 (MANE Select); coding-DNA position 2926, G replaced by T.
Protein change: p.Gly976Ter; replaces glycine 976 with a stop codon.
Molecular consequence: nonsense.
Genome position (GRCh38, 1-based): chrX:108,624,244, G>T. VCF-style: chrX-108624244-G-T. GRCh37 (hg19) VCF-style: chrX-107867474-G-T.
Other names: c.2926G>T (NM_000495.4); c.2926G>T, p.Gly976Ter (NM_000495.5); short protein forms G976*.
Identifiers: ClinVar variation 983898 (VCV000983898.5), dbSNP rs2067108651, ClinGen allele CA413853197.
Genomic context (GRCh38, chrX:108,624,244, plus strand): 5'-TCATGGATGAATAATATCATCCTAACTTGCCTCTTCTACTCATTCTTGGAAGGTATACCT[G>T]GAGTTTCAGGGCCAAAAGGTTATCAGGGTTTGCCTGGAGACCCAGGGCAACCTGGACTGA-3'